The following is an entry in ClinVar:

NM_004006.3(DMD):c.10223+1G>A

Gene: DMD (dystrophin; minus strand). Cytogenetic location: Xp21.2.
Variant type: single nucleotide variant.
Coding change: c.10223+1G>A on transcript NM_004006.3 (MANE Select); the canonical splice donor site of the intron after coding-DNA position 10223, G replaced by A.
Molecular consequence: splice donor variant. On other transcripts: synonymous variant (1).
Genome position (GRCh38, 1-based): chrX:31,178,668, C>T on the plus strand (G>A on the coding strand, the complement: DMD is on the minus strand). VCF-style: chrX-31178668-C-T. GRCh37 (hg19) VCF-style: chrX-31196785-C-T.
Other names: IVS70, G-A, +1; c.1020G>A, p.Thr340= (NM_004019.3); c.10199+1G>A (NM_000109.4); c.6200+1G>A (NM_004011.4); c.6191+1G>A (NM_004012.4); c.2843+1G>A (NM_004023.3, NM_004020.4, NM_004022.3 and 2 more transcripts); c.2036+1G>A (NM_004014.3); c.1019+1G>A (NM_004018.3, NM_004017.3, NM_004016.3 and 1 more transcripts); and 2 more.
Identifiers: ClinVar variation 94430 (VCV000094430.26), dbSNP rs398123834, ClinGen allele CA266865.
Genomic context (GRCh38, chrX:31,178,668, plus strand): 5'-AGCTGAGAGGAGTTCAAATATACATCAAACAAGAGTGTGTTCTGCTTTTGCTACTACTCA[C>T]GTTTCCATGTTGTCCCCCTCTAAGACAGTCTGCACTGGCAGGTAGCCCATTCGGGGATGC-3'

ClinVar aggregate classification (germline): Pathogenic. Review status: criteria provided, multiple submitters, no conflicts (2 of 4 stars). 12 submissions from 12 submitters: Pathogenic (11). 1 of the submissions does not count toward it. Last evaluated 2025-12-20.

Conditions:
Intermediate muscular dystrophy. Identifiers: MedGen C4016477.
Becker muscular dystrophy, Cardiomyopathy, Duchenne muscular dystrophy, Dystrophin deficiency.
Neuromuscular disease caused by qualitative or quantitative defects of dystrophin. Also called: Qualitative or quantitative defects of dystrophin. Identifiers: Orphanet 207085, MedGen C5679787, MONDO:0016147.
Duchenne muscular dystrophy (DMD). Also called: Duchenne Muscular Dystrophy (DMD); MUSCULAR DYSTROPHY, PSEUDOHYPERTROPHIC PROGRESSIVE, DUCHENNE TYPE. Identifiers: Orphanet 98896, MedGen C0013264, MONDO:0010679, OMIM 310200.
Cardiovascular phenotype. Identifiers: MedGen CN230736.

Submissions (12):

Labcorp Genetics (formerly Invitae), Labcorp
Classification: Pathogenic for Duchenne muscular dystrophy. Last evaluated: 2025-12-20. Review status: criteria provided, single submitter. Criteria: Invitae Variant Classification Sherloc (09022015). Collection method: clinical testing. Allele origin: germline.
Comment: This sequence change affects a donor splice site in intron 70 of the DMD gene. It is expected to result in an absent or disrupted protein product. Loss-of-function variants in DMD are known to be pathogenic (PMID: 16770791, 25007885). In addition, truncating variants in exon 71 (p.Pro3409Tyr*22, p.Thr3411Asn*22, and p.Leu3412Argfs*7) that result in partial in-frame exon skipping have been observed in individuals with clinical features of mild Becker muscular dystrophy (PMID: 17041906, 23536893). This variant is not present in population databases (gnomAD no frequency). Disruption of this splice site has been observed in individuals with Duchenne muscular dystrophy (PMID: 8281150, 25972034, 27593222, 30342905). ClinVar contains an entry for this variant (Variation ID: 94430). Algorithms developed to predict the effect of sequence changes on RNA splicing suggest that this variant may disrupt the consensus splice site. For these reasons, this variant has been classified as Pathogenic.

3billion
Classification: Pathogenic for Duchenne muscular dystrophy. Last evaluated: 2025-12-01. Review status: criteria provided, single submitter. Criteria: ACMG Guidelines, 2015. Collection method: clinical testing. Allele origin: germline. Affected: yes.
Comment: The variant is not observed in the gnomAD v4.1.0 dataset. Predicted Consequence/Location: Canonical splice site: predicted to alter splicing and result in a loss or disruption of normal protein function. Multiple pathogenic loss-of-function variants are reported downstream of the variant. In silico tools predict the variant to alter splicing and produce an abnormal transcript [SpliceAI: 0.95 (spliceogenicity >=0.2, non-spliceogenicity <0.1)]. The variant has been reported at least twice as pathogenic with clinical assertions and evidence for the classification (ClinVar ID: VCV000094430 /PMID: 8281150 /3billion dataset). Therefore, this variant is classified as Pathogenic according to the recommendation of ACMG/AMP guideline.

Clinical Biomedical Laboratory, Shriners Hospital For Children - Canada
Classification: Pathogenic for Duchenne muscular dystrophy. Last evaluated: 2025-10-05. Review status: criteria provided, single submitter. Criteria: ACMG Guidelines, 2015. Collection method: clinical testing. Allele origin: germline. Affected: yes.
Comment: This variant affects a canonical splice donor site in DMD. Variants in DMD are associated with Duchenne Muscular Dystrophy. This variant is absent from the Genome Aggregation Database (v2.1.1). This variant is expected to disrupt RNA splicing. Variants that disrupt the donor or acceptor splice site typically lead to a loss of protein function. Loss-of-function variants in DMD are known to be pathogenic (PMID 16770791). This variant has been reported in the literature multiple times (e.g., PMID 32194622).

Natera, Inc.
Classification: Pathogenic for Becker muscular dystrophy, Cardiomyopathy, Duchenne muscular dystrophy, Dystrophin deficiency. Last evaluated: 2025-06-03. Review status: criteria provided, single submitter. Criteria: Natera Variant Classification Schema (03/2026). Collection method: clinical testing. Allele origin: germline.
Comment: The c.10223+1G>A variant in DMD is a canonical splice donor site variant predicted to affect pre-mRNA splicing, which may result in an abnormal transcript and altered protein product. This variant is expected to result in nonsense mediated decay, truncation, or a dysfunctional protein product. This variant is rare in the general population with a frequency below the threshold expected for the associated phenotype(s). This variant has been observed in affected individual(s) with monoallelic occurrence (heterozygous/hemizygous) (PMID: 34327855, 29095814, 33188573, 34297739). Given the available evidence, this variant is classified as Pathogenic.

Ambry Genetics
Classification: Pathogenic for Cardiovascular phenotype. Last evaluated: 2025-05-23. Review status: criteria provided, single submitter. Criteria: Ambry Variant Classification Scheme 2023. Collection method: clinical testing. Allele origin: germline.
Comment: The c.10223+1G>A intronic variant results from a G to A substitution one nucleotide after coding exon 70 of the DMD gene. Alterations that disrupt the canonical splice site are expected to cause aberrant splicing, resulting in an abnormal protein or a transcript that is subject to nonsense-mediated mRNA decay. This variant was not reported in population-based cohorts in the Genome Aggregation Database (gnomAD). This variant was reported as hemizygous in individuals with features consistent with DMD-related dystrophinopathy (Lenk, 1993; Cho, 2017; Neri, 2020; Yun, 2021). This nucleotide position is highly conserved in available vertebrate species. In silico splice site analysis predicts that this alteration will weaken the native splice donor site. Based on the available evidence, this alteration is classified as pathogenic.

Revvity Omics, Revvity
Classification: Pathogenic. Last evaluated: 2024-02-09. Review status: criteria provided, single submitter. Criteria: ACMG Guidelines, 2015. Collection method: clinical testing. Allele origin: germline.

Women's Health and Genetics/Laboratory Corporation of America, LabCorp
Classification: Pathogenic for Neuromuscular disease caused by qualitative or quantitative defects of dystrophin. Last evaluated: 2023-07-26. Review status: criteria provided, single submitter. Criteria: LabCorp Variant Classification Summary - May 2015. Collection method: clinical testing. Allele origin: germline.
Comment: Variant summary: DMD c.10223+1G>A is located in a canonical splice-site and is predicted to affect mRNA splicing resulting in a significantly altered protein due to either exon skipping, shortening, or inclusion of intronic material. Several computational tools predict a significant impact on normal splicing: Four predict the variant abolishes a 5' splicing donor site. At least one publication reported that this variant affects mRNA splicing, causing out-of-frame exon 70 skipping, as demonstrated in patient derived mRNA samples (Daoud_2009). The variant was absent in 181746 control chromosomes (gnomAD). c.10223+1G>A has been reported in the literature in several individuals affected with Dystrophinopathies (e.g. Flanigan_2009, Daoud_2009, Neri_2020). These data indicate that the variant is very likely to be associated with disease. The following publications have been ascertained in the context of this evaluation (PMID: 19937601, 19602481, 32194622). Five submitters have cited clinical-significance assessments for this variant to ClinVar after 2014. All submitters classified the variant as pathogenic. Based on the evidence outlined above, the variant was classified as pathogenic.

Division of Human Genetics, National Health Laboratory Service/University of the Witwatersrand
Classification: Pathogenic for Duchenne muscular dystrophy. Last evaluated: 2023-07-01. Review status: criteria provided, single submitter. Criteria: ACMG Guidelines, 2015. Collection method: research. Allele origin: germline. Affected: yes.

Laboratory of Medical Genetics, National & Kapodistrian University of Athens
Classification: Pathogenic for Duchenne muscular dystrophy. Last evaluated: 2022-12-16. Review status: criteria provided, single submitter. Criteria: ACMG Guidelines, 2015. Collection method: clinical testing. Allele origin: germline. Affected: yes.
Comment: PVS1, PM2, PP5

GeneDx
Classification: Pathogenic. Last evaluated: 2020-06-11. Review status: criteria provided, single submitter. Criteria: GeneDx Variant Classification Process June 2021. Collection method: clinical testing. Allele origin: germline. Affected: yes.
Comment: Canonical splice site variant predicted to result in a null allele in a gene for which loss-of-function is a known mechanism of disease; Not observed in large population cohorts (Lek et al., 2016); This variant is associated with the following publications: (PMID: 32194622, 30342905, 16834926, 29973226, 28859693, 15351422, 27593222, 28597072, 23453023, 8281150, 25525159, 17041906, 20485447, 30564623, 20670611, 30816495, 19937601)

Eurofins Ntd Llc (ga)
Classification: Pathogenic. Last evaluated: 2017-04-26. Review status: criteria provided, single submitter. Criteria: EGL Classification Definitions 2015. Collection method: clinical testing. Allele origin: germline. Observed: 4 variant alleles, 4 hemizygotes.

OMIM
Classification: Pathogenic for INTERMEDIATE MUSCULAR DYSTROPHY. Last evaluated: 1993-11-01. Review status: no assertion criteria provided. Collection method: literature only. Allele origin: germline. Not counted in ClinVar's aggregate classification.

Literature cited by the submitters: PubMed 16770791 (cited by Labcorp Genetics (formerly Invitae), Labcorp and Clinical Biomedical Laboratory, Shriners Hospital For Children - Canada); PubMed 25007885 (cited by Labcorp Genetics (formerly Invitae), Labcorp); PubMed 17041906 (cited by Labcorp Genetics (formerly Invitae), Labcorp); PubMed 23536893 (cited by Labcorp Genetics (formerly Invitae), Labcorp); PubMed 8281150 (cited by 4 submitters); PubMed 25972034 (cited by Labcorp Genetics (formerly Invitae), Labcorp); PubMed 27593222 (cited by Labcorp Genetics (formerly Invitae), Labcorp and Ambry Genetics); PubMed 30342905 (cited by Labcorp Genetics (formerly Invitae), Labcorp); PubMed 32194622 (cited by 3 submitters); PubMed 34327855 (cited by Natera, Inc.); PubMed 29095814 (cited by Natera, Inc.); PubMed 33188573 (cited by Natera, Inc.); PubMed 34297739 (cited by Natera, Inc. and Ambry Genetics); PubMed 19937601 (cited by Women's Health and Genetics/Laboratory Corporation of America, LabCorp); PubMed 19602481 (cited by Women's Health and Genetics/Laboratory Corporation of America, LabCorp); PubMed 8301652 (cited by OMIM).